The following is an entry in ClinVar:

NM_153700.2(STRC):c.911C>T (p.Ala304Val)

Gene: STRC (stereocilin; minus strand). Cytogenetic location: 15q15.3.
Variant type: single nucleotide variant.
Coding change: c.911C>T on transcript NM_153700.2 (MANE Select); coding-DNA position 911, C replaced by T.
Protein change: p.Ala304Val; replaces alanine 304 with valine.
Molecular consequence: missense variant.
Genome position (GRCh38, 1-based): chr15:43,616,655, G>A on the plus strand (C>T on the coding strand, the complement: STRC is on the minus strand). VCF-style: chr15-43616655-G-A. GRCh37 (hg19) VCF-style: chr15-43908853-G-A.
Other names: short protein forms A304V.
Identifiers: ClinVar variation 165319 (VCV000165319.5), dbSNP rs727503448, ClinGen allele CA178061.

ClinVar aggregate classification (germline): Uncertain significance (1 of 4 stars; one submission).

Submission:

Laboratory for Molecular Medicine, Mass General Brigham Personalized Medicine
Classification: Uncertain significance. Last evaluated: 2014-01-03. Review status: criteria provided, single submitter. Criteria: LMM Criteria. Collection method: clinical testing. Allele origin: germline. Observed: 2 variant alleles.
Comment: The Ala304Val variant in STRC has not been previously reported in individuals wi th hearing loss. Data from large population studies is insufficient to assess t he frequency of this variant. Computational prediction tools and conservation an alyses do not provide strong support for or against an impact to the protein. In summary, additional information is needed to determine the clinical significanc e of this variant.